The following is an entry in ClinVar:

NM_000290.4(PGAM2):c.501G>C (p.Trp167Cys)

Genes: PGAM2 (phosphoglycerate mutase 2; minus strand), DBNL (drebrin like; plus strand), LOC129998341 (ATAC-STARR-seq lymphoblastoid active region 25924; plus strand). Cytogenetic location: 7p13.
Variant type: single nucleotide variant.
Coding change: c.501G>C on transcript NM_000290.4 (MANE Select); coding-DNA position 501, G replaced by C.
Protein change: p.Trp167Cys; replaces tryptophan 167 with cysteine.
Molecular consequence: missense variant. On other transcripts: 3 prime UTR variant (6).
Genome position (GRCh38, 1-based): chr7:44,064,926, C>G on the plus strand (G>C on the coding strand, the complement: PGAM2 is on the minus strand). VCF-style: chr7-44064926-C-G. GRCh37 (hg19) VCF-style: chr7-44104525-C-G.
Other names: c.*4010C>G (NM_001014436.3, NM_001122956.2, NM_001284313.2 and 3 more transcripts); c.501G>C (NM_000290.3); short protein forms W167C.
Identifiers: ClinVar variation 1936561 (VCV001936561.6), dbSNP rs150235677, ClinGen allele CA367367305.

ClinVar aggregate classification (germline): Uncertain significance. Review status: criteria provided, multiple submitters, no conflicts (2 of 4 stars). 2 submissions from 2 submitters: Uncertain significance (2). Last evaluated 2024-11-13.

Conditions:
Glycogen storage disease type X (GSD10). Also called: Dimauro disease; Glycogen storage disease due to phosphoglycerate mutase deficiency; GSD X; MYOPATHY DUE TO PHOSPHOGLYCERATE MUTASE DEFICIENCY; PGAMM DEFICIENCY; PHOSPHOGLYCERATE MUTASE, MUSCLE, DEFICIENCY OF. Identifiers: Orphanet 97234, MedGen C0268149, MONDO:0009865, OMIM 261670.
Inborn genetic diseases. Identifiers: MedGen C0950123, MeSH D030342.

gnomAD v4.1: 5 of 1,610,936 alleles (0.00031%); highest among the groups gnomAD compares: Non-Finnish European, 0.00042%; no homozygotes.

Submissions (2):

Ambry Genetics
Classification: Uncertain significance for Inborn genetic diseases. Last evaluated: 2024-11-13. Review status: criteria provided, single submitter. Criteria: Ambry Variant Classification Scheme 2023. Collection method: clinical testing. Allele origin: germline.

Labcorp Genetics (formerly Invitae), Labcorp
Classification: Uncertain significance for Glycogen storage disease type X. Last evaluated: 2022-02-28. Review status: criteria provided, single submitter. Criteria: Invitae Variant Classification Sherloc (09022015). Collection method: clinical testing. Allele origin: germline.
Comment: In summary, the available evidence is currently insufficient to determine the role of this variant in disease. Therefore, it has been classified as a Variant of Uncertain Significance. Algorithms developed to predict the effect of missense changes on protein structure and function (SIFT, PolyPhen-2, Align-GVGD) all suggest that this variant is likely to be disruptive. This variant has not been reported in the literature in individuals affected with PGAM2-related conditions. This variant is not present in population databases (gnomAD no frequency). This sequence change replaces tryptophan, which is neutral and slightly polar, with cysteine, which is neutral and slightly polar, at codon 167 of the PGAM2 protein (p.Trp167Cys).